The following is an entry in ClinVar:

ClinVar aggregate classification (germline): Benign/Likely benign. Review status: criteria provided, multiple submitters, no conflicts (2 of 4 stars). 6 submissions from 6 submitters: Benign (1); Likely benign (4). 1 of the submissions does not count toward it. Last evaluated 2026-06-01.

Conditions:
NDUFA9-related disorder. Also called: NDUFA9-related condition.

Allele frequency attached by ClinVar (database versions not stated): ESP Exome Variant Server 0.00008; gnomAD 0.00047 and 0.00052; gnomAD exomes 0.00049 and 0.00124; TOPMed 0.00050; 1000 Genomes Project 30x 0.00125; ExAC 0.00138; 1000 Genomes Project 0.00140.

Submissions (6):

CeGaT Center for Human Genetics Tuebingen
Classification: Likely benign. Last evaluated: 2026-06-01. Review status: criteria provided, single submitter. Criteria: CeGaT Center For Human Genetics Tuebingen Variant Classification Criteria Version 2. Collection method: clinical testing. Allele origin: germline. Affected: yes. Observed: 1 variant allele.
Comment: NDUFA9: BP4, BP7

Labcorp Genetics (formerly Invitae), Labcorp
Classification: Benign. Last evaluated: 2025-12-08. Review status: criteria provided, single submitter. Criteria: Invitae Variant Classification Sherloc (09022015). Collection method: clinical testing. Allele origin: germline.

Blueprint Genetics
Classification: Likely benign. Last evaluated: 2024-10-30. Review status: criteria provided, single submitter. Criteria: ACMG Guidelines, 2015. Collection method: clinical testing. Allele origin: germline.

GeneDx
Classification: Likely benign. Last evaluated: 2018-07-25. Review status: criteria provided, single submitter. Criteria: GeneDx Variant Classification Process June 2021. Collection method: clinical testing. Allele origin: germline. Affected: yes.

Breakthrough Genomics
Classification: Likely benign. Review status: criteria provided, single submitter. Criteria: ACMG Guidelines, 2015. Collection method: not provided. Allele origin: germline. Inheritance: Autosomal recessive inheritance. Affected: yes.

PreventionGenetics, part of Exact Sciences
Classification: Benign for NDUFA9-related condition. Last evaluated: 2023-12-11. Review status: no assertion criteria provided. Collection method: clinical testing. Allele origin: germline. Not counted in ClinVar's aggregate classification.
Comment: This variant is classified as benign based on ACMG/AMP sequence variant interpretation guidelines (Richards et al. 2015 PMID: 25741868, with internal and published modifications).

NM_005002.5(NDUFA9):c.1104T>C (p.Asp368=)

Gene: NDUFA9 (NADH:ubiquinone oxidoreductase subunit A9; plus strand). Cytogenetic location: 12p13.32.
Variant type: single nucleotide variant.
Coding change: c.1104T>C on transcript NM_005002.5 (MANE Select); coding-DNA position 1104, T replaced by C.
Protein change: p.Asp368=; no amino-acid change (aspartic acid 368 retained).
Molecular consequence: synonymous variant.
Genome position (GRCh38, 1-based): chr12:4,687,078, T>C. VCF-style: chr12-4687078-T-C. GRCh37 (hg19) VCF-style: chr12-4796244-T-C.
Identifiers: ClinVar variation 378244 (VCV000378244.17), dbSNP rs146190369, ClinGen allele CA6398377.
Genomic context (GRCh38, chr12:4,687,078, plus strand): 5'-GGCCATTGAGGTGCTGCGGCGTCATCGCACTTACCGCTGGCTGTCTGCTGAAATTGAGGA[T>C]GTGAAGCCGGCCAAGACCGTCAACATTTAGTGCCTCCTGAGCAGCTCTTGGTTTTGGCGT-3'
Protein context (NP_004993.1, residues 358-377): TYRWLSAEIE[Asp368=]VKPAKTVNI